The following is an entry in ClinVar:

NM_000208.4(INSR):c.1050G>A (p.Ser350=)

Gene: INSR (insulin receptor; minus strand). Cytogenetic location: 19p13.2.
Variant type: single nucleotide variant.
Coding change: c.1050G>A on transcript NM_000208.4 (MANE Select); coding-DNA position 1050, G replaced by A.
Protein change: p.Ser350=; no amino-acid change (serine 350 retained).
Molecular consequence: synonymous variant.
Genome position (GRCh38, 1-based): chr19:7,174,656, C>T on the plus strand (G>A on the coding strand, the complement: INSR is on the minus strand). VCF-style: chr19-7174656-C-T. GRCh37 (hg19) VCF-style: chr19-7174667-C-T.
Other names: c.1050G>A, p.Ser350= (NM_001079817.3).
Identifiers: ClinVar variation 737004 (VCV000737004.27), dbSNP rs751541632, ClinGen allele CA9135937.

ClinVar aggregate classification (germline): Likely benign. Review status: criteria provided, multiple submitters, no conflicts (2 of 4 stars). 2 submissions from 2 submitters: Likely benign (2). Last evaluated 2023-01-01.

Allele frequency attached by ClinVar (database versions not stated): TOPMed below 0.00001; gnomAD exomes 0.00001 and 0.00003; ExAC 0.00005.
gnomAD v4.1: 14 of 1,613,924 alleles (0.00087%); highest among the groups gnomAD compares: South Asian, 0.0077%; no homozygotes.

Submissions (2):

CeGaT Center for Human Genetics Tuebingen
Classification: Likely benign. Last evaluated: 2023-01-01. Review status: criteria provided, single submitter. Criteria: CeGaT Center For Human Genetics Tuebingen Variant Classification Criteria Version 2. Collection method: clinical testing. Allele origin: germline. Affected: yes. Observed: 1 variant allele.
Comment: INSR: BP4, BP7

Labcorp Genetics (formerly Invitae), Labcorp
Classification: Likely benign. Last evaluated: 2018-03-30. Review status: criteria provided, single submitter. Criteria: Invitae Variant Classification Sherloc (09022015). Collection method: clinical testing. Allele origin: germline.